The following is an entry in ClinVar:

NM_014915.3(ANKRD26):c.3815A>T (p.Glu1272Val)

Gene: ANKRD26 (ankyrin repeat domain 26; minus strand). Cytogenetic location: 10p12.1.
Variant type: single nucleotide variant.
Coding change: c.3815A>T on transcript NM_014915.3 (MANE Select); coding-DNA position 3815, A replaced by T.
Protein change: p.Glu1272Val; replaces glutamic acid 1272 with valine.
Molecular consequence: missense variant.
Genome position (GRCh38, 1-based): chr10:27,029,349, T>A on the plus strand (A>T on the coding strand, the complement: ANKRD26 is on the minus strand). VCF-style: chr10-27029349-T-A. GRCh37 (hg19) VCF-style: chr10-27318278-T-A.
Other names: c.3812A>T, p.Glu1271Val (NM_001256053.2); short protein forms E1272V, E1271V.
Identifiers: ClinVar variation 2744713 (VCV002744713.3), dbSNP rs2538700812, ClinGen allele CA376360633.
Genomic context (GRCh38, chr10:27,029,349, plus strand): 5'-TGCTTGTGATCTTGCATCTTCTCAGCACATCTGACAGCTTCTGTATGTCGATCCTGTGCT[T>A]CTTGCAACTAAAACAAAGAATAAAAAAAACCCACTTTACTAATAATCTAGTACACATCTG-3'
Protein context (NP_055730.2, residues 1262-1282): KLGQIRNQLQ[Glu1272Val]AQDRHTEAVR

ClinVar aggregate classification (germline): Uncertain significance (1 of 4 stars; one submission).

Submission:

Labcorp Genetics (formerly Invitae), Labcorp
Classification: Uncertain significance. Last evaluated: 2023-05-28. Review status: criteria provided, single submitter. Criteria: Invitae Variant Classification Sherloc (09022015). Collection method: clinical testing. Allele origin: germline.
Comment: In summary, the available evidence is currently insufficient to determine the role of this variant in disease. Therefore, it has been classified as a Variant of Uncertain Significance. Algorithms developed to predict the effect of sequence changes on RNA splicing suggest that this variant may disrupt the consensus splice site. An algorithm developed to predict the effect of missense changes on protein structure and function (PolyPhen-2) suggests that this variant is likely to be disruptive. This variant has not been reported in the literature in individuals affected with ANKRD26-related conditions. This variant is not present in population databases (gnomAD no frequency). This sequence change replaces glutamic acid, which is acidic and polar, with valine, which is neutral and non-polar, at codon 1272 of the ANKRD26 protein (p.Glu1272Val).